The following is an entry in ClinVar:

ClinVar aggregate classification (germline): Uncertain significance (1 of 4 stars; one submission).

Conditions:
Familial hemophagocytic lymphohistiocytosis 4 (FHL4). Also called: STX11-Related Familial Hemophagocytic Lymphohistiocytosis (STX11-fHLH). Identifiers: Orphanet 540, MedGen C1863728, MONDO:0011336, OMIM 603552.

Submission:

Labcorp Genetics (formerly Invitae), Labcorp
Classification: Uncertain significance for Familial hemophagocytic lymphohistiocytosis 4. Last evaluated: 2024-02-24. Review status: criteria provided, single submitter. Criteria: Invitae Variant Classification Sherloc (09022015). Collection method: clinical testing. Allele origin: germline.
Comment: This sequence change replaces alanine, which is neutral and non-polar, with valine, which is neutral and non-polar, at codon 232 of the STX11 protein (p.Ala232Val). This variant is not present in population databases (gnomAD no frequency). This variant has not been reported in the literature in individuals affected with STX11-related conditions. ClinVar contains an entry for this variant (Variation ID: 1043294). Advanced modeling of protein sequence and biophysical properties (such as structural, functional, and spatial information, amino acid conservation, physicochemical variation, residue mobility, and thermodynamic stability) performed at Invitae indicates that this missense variant is expected to disrupt STX11 protein function with a positive predictive value of 80%. In summary, the available evidence is currently insufficient to determine the role of this variant in disease. Therefore, it has been classified as a Variant of Uncertain Significance.

NM_003764.4(STX11):c.695C>T (p.Ala232Val)

Gene: STX11 (syntaxin 11; plus strand). Cytogenetic location: 6q24.2.
Variant type: single nucleotide variant.
Coding change: c.695C>T on transcript NM_003764.4 (MANE Select); coding-DNA position 695, C replaced by T.
Protein change: p.Ala232Val; replaces alanine 232 with valine.
Molecular consequence: missense variant.
Genome position (GRCh38, 1-based): chr6:144,187,322, C>T. VCF-style: chr6-144187322-C-T. GRCh37 (hg19) VCF-style: chr6-144508459-C-T.
Other names: short protein forms A232V.
Identifiers: ClinVar variation 1043294 (VCV001043294.7), dbSNP rs1159227535, ClinGen allele CA365949803.